The following is an entry in ClinVar:

ClinVar aggregate classification (germline): Uncertain significance (1 of 4 stars; one submission).

Conditions:
Emery-Dreifuss muscular dystrophy 5, autosomal dominant (EDMD5). Also called: EMERY-DREIFUSS MUSCULAR DYSTROPHY 5. Identifiers: Orphanet 261, MedGen C2751805, MONDO:0013072, OMIM 612999.

Submission:

Labcorp Genetics (formerly Invitae), Labcorp
Classification: Uncertain significance for Emery-Dreifuss muscular dystrophy 5, autosomal dominant. Last evaluated: 2025-09-29. Review status: criteria provided, single submitter. Criteria: Invitae Variant Classification Sherloc (09022015). Collection method: clinical testing. Allele origin: germline.
Comment: This variant, c.20607_20609dup, results in the insertion of 1 amino acid(s) of the SYNE2 protein (p.Leu6871dup), but otherwise preserves the integrity of the reading frame. This variant is present in population databases (rs759060023, gnomAD 0.006%). This variant has not been reported in the literature in individuals affected with SYNE2-related conditions. In summary, the available evidence is currently insufficient to determine the role of this variant in disease. Therefore, it has been classified as a Variant of Uncertain Significance.

NM_182914.3(SYNE2):c.20598GCT[5] (p.Leu6871_Ala6872insLeu)

Gene: SYNE2 (spectrin repeat containing nuclear envelope protein 2; plus strand). Cytogenetic location: 14q23.2.
Variant type: Microsatellite.
Coding change: c.20598GCT[5] on transcript NM_182914.3 (MANE Select); five copies in a row of the 3-base unit GCT starting at c.20598; the reference has four copies in a row; one copy, 3 bases duplicated.
Protein change: p.Leu6871_Ala6872insLeu.
Molecular consequence: inframe insertion.
Genome position (GRCh38, 1-based): chr14:64,225,409-64,225,411, GCT duplicated; duplicating any 3 consecutive bases within chr14:64,225,398-64,225,411 gives the same sequence; the position shown is the placement nearest the transcript's 3' end. VCF-style (leftmost placement, unchanged base first): chr14-64225397-C-CCTG. GRCh37 (hg19) VCF-style: chr14-64692115-C-CCTG.
Other names: c.20532GCT[5], p.Leu6849_Ala6850insLeu (NM_015180.6); c.1164GCT[5], p.Leu393_Ala394insLeu (NM_182910.2); c.1545GCT[5], p.Leu520_Ala521insLeu (NM_182913.4).
Identifiers: ClinVar variation 4797626 (VCV004797626.1).
Genomic context (GRCh38, chr14:64,225,397, plus strand): 5'-GCCACAGCGCTCCTTCCTCTCAAGGGTGGTCCGGGCAGCCCTACCCCTGCAGCTGCTCCT[C>CCTG]CTGCTGCTGCTGCTCCTGGCCTGCCTGCTGCCCTCCTCCGAAGAAGACTACAGCTGCACT-3'